The following is an entry in ClinVar:

ClinVar aggregate classification (germline): Uncertain significance (1 of 4 stars; one submission).

gnomAD v4.1: 2 of 1,613,496 alleles (0.00012%); highest among the groups gnomAD compares: Non-Finnish European, 0.00017%; no homozygotes.

Submission:

GeneDx
Classification: Uncertain significance. Last evaluated: 2023-10-31. Review status: criteria provided, single submitter. Criteria: GeneDx Variant Classification Process June 2021. Collection method: clinical testing. Allele origin: germline. Affected: yes.
Comment: Not observed at significant frequency in large population cohorts (gnomAD); In silico analysis supports that this missense variant does not alter protein structure/function; Has not been previously published as pathogenic or benign to our knowledge

NM_014727.3(KMT2B):c.4042A>G (p.Asn1348Asp)

Gene: KMT2B (lysine methyltransferase 2B; plus strand). Cytogenetic location: 19q13.12.
Variant type: single nucleotide variant.
Coding change: c.4042A>G on transcript NM_014727.3 (MANE Select); coding-DNA position 4042, A replaced by G.
Protein change: p.Asn1348Asp; replaces asparagine 1348 with aspartic acid.
Molecular consequence: missense variant.
Genome position (GRCh38, 1-based): chr19:35,727,194, A>G. VCF-style: chr19-35727194-A-G. GRCh37 (hg19) VCF-style: chr19-36218095-A-G.
Other names: short protein forms N1348D.
Identifiers: ClinVar variation 3363552 (VCV003363552.1).